The following is an entry in ClinVar:

ClinVar aggregate classification (germline): Uncertain significance (1 of 4 stars; one submission).

Submission:

Dasa
Classification: Uncertain significance. Last evaluated: 2025-02-05. Review status: criteria provided, single submitter. Criteria: DASA Assertion Criteria. Collection method: clinical testing. Allele origin: germline.
Comment: NM_005035.4(POLRMT):c.2164C>G (p.Gln722Glu) is a missense variant that results in the substitution of glutamine with glutamic acid. This variant is absent from population databases. Computational prediction algorithms are consistent with a benign effect. The currently available literature and clinical evidence are not sufficient to establish a definitive association between this variant and the reported condition. Therefore, this variant is classified as a variant of uncertain significance.

NM_005035.4(POLRMT):c.2164C>G (p.Gln722Glu)

Gene: POLRMT (RNA polymerase mitochondrial; minus strand). Cytogenetic location: 19p13.3.
Variant type: single nucleotide variant.
Coding change: c.2164C>G on transcript NM_005035.4 (MANE Select); coding-DNA position 2164, C replaced by G.
Protein change: p.Gln722Glu; replaces glutamine 722 with glutamic acid.
Molecular consequence: missense variant. On other transcripts: non-coding transcript variant (1).
Genome position (GRCh38, 1-based): chr19:621,534, G>C on the plus strand (C>G on the coding strand, the complement: POLRMT is on the minus strand). VCF-style: chr19-621534-G-C. GRCh37 (hg19) VCF-style: chr19-621534-G-C.
Other names: c.1840C>G, p.Gln614Glu (NM_001407833.1, NM_001407835.1, NM_001407836.1 and 1 more transcripts); c.1831C>G, p.Gln611Glu (NM_001407834.1); c.2164C>G, p.Gln722Glu (NM_001407812.1, NM_001407814.1, NM_001407815.1 and 4 more transcripts); c.2122C>G, p.Gln708Glu (NM_001407813.1, NM_001407811.1); c.1939C>G, p.Gln647Glu (NM_001407830.1, NM_001407832.1); c.2155C>G, p.Gln719Glu (NM_001407806.1, NM_001407809.1); c.2152C>G, p.Gln718Glu (NM_001407807.1, NM_001407810.1); short protein forms Q611E, Q614E, Q647E, Q708E, Q718E, Q719E, Q722E.
Identifiers: ClinVar variation 4880917 (VCV004880917.2).